The following is an entry in ClinVar:

ClinVar aggregate classification (germline): Uncertain significance. Review status: criteria provided, multiple submitters, no conflicts (2 of 4 stars). 3 submissions from 3 submitters: Uncertain significance (2). 1 of the submissions does not count toward it. Last evaluated 2025-11-04.

Conditions:
Dyskeratosis congenita, autosomal recessive 5 (DKCB5). Identifiers: MedGen C3554656, MONDO:0014076, OMIM 615190.
Pulmonary fibrosis and/or bone marrow failure, Telomere-related, 3. Also called: PULMONARY FIBROSIS AND/OR BONE MARROW FAILURE SYNDROME, TELOMERE-RELATED, 3. Identifiers: Orphanet 2032, MedGen C4225346, MONDO:0014613, OMIM 616373.
Microcephaly. Also called: Microcephaly (disease). Identifiers: MedGen C4551563, MONDO:0001149, HP:0000252.

Allele frequency attached by ClinVar (database versions not stated): 1000 Genomes Project 0.00040; gnomAD exomes 0.00009 and 0.00012; 1000 Genomes Project 30x 0.00031; ExAC 0.00012; gnomAD 0.00004; TOPMed 0.00001.
gnomAD v4.1: 179 of 1,612,044 alleles (0.011%); highest among the groups gnomAD compares: East Asian, 0.39%; no homozygotes.

Submissions (3):

Labcorp Genetics (formerly Invitae), Labcorp
Classification: Uncertain significance for Dyskeratosis congenita, autosomal recessive 5; Pulmonary fibrosis and/or bone marrow failure, Telomere-related, 3. Last evaluated: 2025-11-04. Review status: criteria provided, single submitter. Criteria: Invitae Variant Classification Sherloc (09022015). Collection method: clinical testing. Allele origin: germline.
Comment: This sequence change replaces leucine, which is neutral and non-polar, with valine, which is neutral and non-polar, at codon 1022 of the RTEL1 protein (p.Leu1022Val). This variant is present in population databases (rs200933423, gnomAD 0.1%). This variant has not been reported in the literature in individuals affected with RTEL1-related conditions. ClinVar contains an entry for this variant (Variation ID: 813648). An algorithm developed to predict the effect of missense changes on protein structure and function (PolyPhen-2) suggests that this variant is likely to be disruptive. In summary, the available evidence is currently insufficient to determine the role of this variant in disease. Therefore, it has been classified as a Variant of Uncertain Significance.

GeneDx
Classification: Uncertain significance. Last evaluated: 2023-03-07. Review status: criteria provided, single submitter. Criteria: GeneDx Variant Classification Process June 2021. Collection method: clinical testing. Allele origin: germline. Affected: yes.
Comment: Reported as a somatic variant in AML and solid tumors in published literature (Liu et al., 2014; Iorio et al., 2016; Lee et al., 2022); In silico analysis supports that this missense variant does not alter protein structure/function; This variant is associated with the following publications: (PMID: 25668207, 30462709, 24807215, 27397505, 35470277)

Department of Pediatrics, Samsung Medical Center, Samsung Medical Center
Classification: Uncertain significance for Microcephaly. Review status: no assertion criteria provided. Criteria: ACMG Guidelines, 2015. Collection method: research. Allele origin: germline. Affected: yes. Not counted in ClinVar's aggregate classification.

NM_001283009.2(RTEL1):c.3064C>G (p.Leu1022Val)

Genes: RTEL1 (regulator of telomere elongation helicase 1; plus strand), RTEL1-TNFRSF6B (RTEL1-TNFRSF6B readthrough (NMD candidate); plus strand). Cytogenetic location: 20q13.33.
Variant type: single nucleotide variant.
Coding change: c.3064C>G on transcript NM_001283009.2 (MANE Select); coding-DNA position 3064, C replaced by G.
Protein change: p.Leu1022Val; replaces leucine 1022 with valine.
Molecular consequence: missense variant. On other transcripts: non-coding transcript variant (1).
Genome position (GRCh38, 1-based): chr20:63,694,443, C>G. VCF-style: chr20-63694443-C-G. GRCh37 (hg19) VCF-style: chr20-62325796-C-G.
Other names: c.2395C>G, p.Leu799Val (NM_001283010.1); c.3064C>G, p.Leu1022Val (NM_016434.4); c.3136C>G, p.Leu1046Val (NM_032957.5); short protein forms L1022V, L1046V, L799V.
Identifiers: ClinVar variation 813648 (VCV000813648.6), dbSNP rs200933423, ClinGen allele CA9965820.